The following is an entry in ClinVar:

NM_002439.5(MSH3):c.1078delinsTCAGT (p.Met360fs)

Gene: MSH3 (mutS homolog 3; plus strand). Cytogenetic location: 5q14.1.
Variant type: Indel.
Coding change: c.1078delinsTCAGT on transcript NM_002439.5 (MANE Select); coding-DNA position 1078, A replaced by TCAGT.
Protein change: p.Met360fs; shifts the reading frame from methionine 360.
Molecular consequence: frameshift variant.
Genome position (GRCh38, 1-based): chr5:80,675,033, A replaced by TCAGT. VCF-style: chr5-80675033-A-TCAGT. GRCh37 (hg19) VCF-style: chr5-79970852-A-TCAGT.
Other names: short protein forms M360fs.
Identifiers: ClinVar variation 4071395 (VCV004071395.1).
Genomic context (GRCh38, chr5:80,675,033, plus strand): 5'-TTATTATTAAATGTGAATCCCCTAATCAAGCTGGATGATGCTGTAAATGTTGATGAGATA[A>TCAGT]TGACTGATACTTCTACCAGCTATCTTCTGTGCATCTCTGAAAATAAGGAAAATGTTAGGG-3'

ClinVar aggregate classification (germline): Pathogenic (1 of 4 stars; one submission).

Conditions:
Familial adenomatous polyposis 4 (FAP4). Also called: MSH3-related attenuated familial adenomatous polyposis. Identifiers: Orphanet 480536, MedGen C4310719, MONDO:0044300, OMIM 617100.

Submission:

Myriad Genetics, Inc.
Classification: Pathogenic for Familial adenomatous polyposis 4. Last evaluated: 2025-05-13. Review status: criteria provided, single submitter. Criteria: Myriad Autosomal Dominant, Autosomal Recessive and X-Linked Classification Criteria (2023). Collection method: clinical testing. Allele origin: unknown.
Comment: This variant is considered pathogenic. This variant creates a frameshift predicted to result in premature protein truncation.